The following is an entry in ClinVar:

ClinVar aggregate classification (germline): Likely pathogenic (1 of 4 stars; one submission).

Conditions:
DOCK2 deficiency. Also called: Immunodeficiency 40. Identifiers: Orphanet 447737, MedGen C4225328, MONDO:0014637, OMIM 616433.

Submission:

Labcorp Genetics (formerly Invitae), Labcorp
Classification: Likely pathogenic for DOCK2 deficiency. Last evaluated: 2023-03-11. Review status: criteria provided, single submitter. Criteria: Invitae Variant Classification Sherloc (09022015). Collection method: clinical testing. Allele origin: germline.
Comment: In summary, the currently available evidence indicates that the variant is pathogenic, but additional data are needed to prove that conclusively. Therefore, this variant has been classified as Likely Pathogenic. Algorithms developed to predict the effect of sequence changes on RNA splicing suggest that this variant may disrupt the consensus splice site. This variant has not been reported in the literature in individuals affected with DOCK2-related conditions. This variant is not present in population databases (gnomAD no frequency). This sequence change affects an acceptor splice site in intron 50 of the DOCK2 gene. It is expected to disrupt RNA splicing. Variants that disrupt the donor or acceptor splice site typically lead to a loss of protein function (PMID: 16199547), and loss-of-function variants in DOCK2 are known to be pathogenic (PMID: 26083206).

Literature cited by the submitters: PubMed 16199547; PubMed 26083206.

NM_004946.3(DOCK2):c.5288-1G>T

Gene: DOCK2 (dedicator of cytokinesis 2; plus strand). Cytogenetic location: 5q35.1.
Variant type: single nucleotide variant.
Coding change: c.5288-1G>T on transcript NM_004946.3 (MANE Select); the canonical splice acceptor site of the intron before coding-DNA position 5288, G replaced by T.
Molecular consequence: splice acceptor variant.
Genome position (GRCh38, 1-based): chr5:170,081,841, G>T. VCF-style: chr5-170081841-G-T. GRCh37 (hg19) VCF-style: chr5-169508845-G-T.
Identifiers: ClinVar variation 2818527 (VCV002818527.3), dbSNP rs2532522791, ClinGen allele CA362118840.